The following is an entry in ClinVar:

NM_138272.3(MPIG6B):c.292T>C (p.Leu98=)

Gene: MPIG6B (megakaryocyte and platelet inhibitory receptor G6b; plus strand). Cytogenetic location: 6p21.33.
Variant type: single nucleotide variant.
Coding change: c.292T>C on transcript NM_138272.3 (MANE Select); coding-DNA position 292, T replaced by C.
Protein change: p.Leu98=; no amino-acid change (leucine 98 retained).
Molecular consequence: synonymous variant.
Genome position (GRCh38, 1-based): chr6:31,723,869, T>C. VCF-style: chr6-31723869-T-C. GRCh37 (hg19) VCF-style: chr6-31691646-T-C.
Other names: c.292T>C, p.Leu98= (NM_138273.3, NM_138274.3, NM_138275.3 and 2 more transcripts).
Identifiers: ClinVar variation 2583036 (VCV002583036.25), dbSNP rs771879584, ClinGen allele CA3720295.
Genomic context (GRCh38, chr6:31,723,869, plus strand): 5'-CAGCCTTTCGTCGGCCGCCTACGCTCCCTGGACTCTGGTATCCGGCGGCTGGAGCTCCTC[T>C]TGAGCGCGGGGGACTCGGGCACTTTTTTCTGCAAGGGCCGCCACGAGGACGAGAGCCGTA-3'
Protein context (NP_612116.1, residues 88-108): DSGIRRLELL[Leu98=]SAGDSGTFFC

ClinVar aggregate classification (germline): Likely benign (1 of 4 stars; one submission).

Allele frequency attached by ClinVar (database versions not stated): TOPMed 0.00008; gnomAD 0.00010; ExAC 0.00011; gnomAD exomes 0.00020.

Submission:

CeGaT Center for Human Genetics Tuebingen
Classification: Likely benign. Last evaluated: 2023-09-01. Review status: criteria provided, single submitter. Criteria: CeGaT Center For Human Genetics Tuebingen Variant Classification Criteria Version 2. Collection method: clinical testing. Allele origin: germline. Affected: yes. Observed: 1 variant allele.
Comment: MPIG6B: BP4, BP7